The following is an entry in ClinVar:

ClinVar aggregate classification (germline): Uncertain significance. Review status: criteria provided, multiple submitters, no conflicts (2 of 4 stars). 2 submissions from 2 submitters: Uncertain significance (2). Last evaluated 2023-07-03.

Conditions:
Medium-chain acyl-coenzyme A dehydrogenase deficiency (ACADMD). Also called: MCADH DEFICIENCY; CARNITINE DEFICIENCY SECONDARY TO MEDIUM-CHAIN ACYL-CoA DEHYDROGENASE DEFICIENCY; MCADD; MCAD Deficiency; Medium chain acyl-CoA dehydrogenase deficiency; ACADM DEFICIENCY. Identifiers: Orphanet 42, MedGen C0220710, MONDO:0008721, OMIM 201450.

Allele frequency attached by ClinVar (database versions not stated): gnomAD exomes below 0.00001; TOPMed below 0.00001; gnomAD 0.00001.
gnomAD v4.1: 5 of 1,613,546 alleles (0.00031%); highest among the groups gnomAD compares: African/African-American, 0.0013%; no homozygotes.

Submissions (2):

Quest Diagnostics Nichols Institute San Juan Capistrano
Classification: Uncertain significance. Last evaluated: 2023-07-03. Review status: criteria provided, single submitter. Criteria: Quest Diagnostics criteria. Collection method: clinical testing. Allele origin: unknown.
Comment: To the best of our knowledge, this variant has not been reported in the published literature. The frequency of this variant in the general population, 0.000004 (1/251268 chromosomes (Genome Aggregation Database)), is uninformative in the assessment of its pathogenicity. Analysis of this variant using bioinformatics tools for the prediction of the effect of amino acid changes on protein structure and function yielded predictions that this variant is damaging. Based on the available information, we are unable to determine the clinical significance of this variant.

Labcorp Genetics (formerly Invitae), Labcorp
Classification: Uncertain significance for Medium-chain acyl-coenzyme A dehydrogenase deficiency. Last evaluated: 2021-11-21. Review status: criteria provided, single submitter. Criteria: Invitae Variant Classification Sherloc (09022015). Collection method: clinical testing. Allele origin: germline.
Comment: This sequence change replaces lysine, which is basic and polar, with isoleucine, which is neutral and non-polar, at codon 69 of the ACADM protein (p.Lys69Ile). This variant is present in population databases (no rsID available, gnomAD 0.0009%). This variant has not been reported in the literature in individuals affected with ACADM-related conditions. Advanced modeling of protein sequence and biophysical properties (such as structural, functional, and spatial information, amino acid conservation, physicochemical variation, residue mobility, and thermodynamic stability) performed at Invitae indicates that this missense variant is expected to disrupt ACADM protein function. In summary, the available evidence is currently insufficient to determine the role of this variant in disease. Therefore, it has been classified as a Variant of Uncertain Significance.

NM_000016.6(ACADM):c.206A>T (p.Lys69Ile)

Gene: ACADM (acyl-CoA dehydrogenase medium chain; plus strand). Cytogenetic location: 1p31.1.
Variant type: single nucleotide variant.
Coding change: c.206A>T on transcript NM_000016.6 (MANE Select); coding-DNA position 206, A replaced by T.
Protein change: p.Lys69Ile; replaces lysine 69 with isoleucine.
Molecular consequence: missense variant. On other transcripts: 5 prime UTR variant (1).
Genome position (GRCh38, 1-based): chr1:75,732,731, A>T. VCF-style: chr1-75732731-A-T. GRCh37 (hg19) VCF-style: chr1-76198416-A-T.
Other names: c.206A>T (NM_000016.4); c.218A>T, p.Lys73Ile (NM_001127328.3); c.98A>T, p.Lys33Ile (NM_001286042.2); c.206A>T, p.Lys69Ile (NM_001286043.2); c.-180A>T (NM_001286044.2); short protein forms K69I, K33I, K73I.
Identifiers: ClinVar variation 1363300 (VCV001363300.4), dbSNP rs927784210, ClinGen allele CA24622913.